The following is an entry in ClinVar:

ClinVar aggregate classification (germline): Conflicting classifications of pathogenicity. Review status: criteria provided, conflicting classifications (1 of 4 stars). 3 submissions from 3 submitters: Uncertain significance (2); Likely benign (1). Last evaluated 2024-09-20.

Conditions:
Ataxia - intellectual disability - oculomotor apraxia - cerebellar cysts syndrome. Also called: Poretti-Boltshauser syndrome. Identifiers: Orphanet 370022, MedGen C4014821, MONDO:0014419, OMIM 615960.

Allele frequency attached by ClinVar (database versions not stated): ExAC 0.00003; gnomAD 0.00003; TOPMed 0.00002.
gnomAD v4.1: 26 of 1,614,014 alleles (0.0016%); highest among the groups gnomAD compares: Middle Eastern, 0.099%; no homozygotes.

Submissions (3):

3billion
Classification: Likely benign for Ataxia - intellectual disability - oculomotor apraxia - cerebellar cysts syndrome. Last evaluated: 2024-09-20. Review status: criteria provided, single submitter. Criteria: ACMG Guidelines, 2015. Collection method: clinical testing. Allele origin: germline. Affected: no.
Comment: The homozygous variant was found in patients diagnosed with another variant in a different gene, with no symptoms related to the gene containing the homozygous variant.

Baylor Genetics
Classification: Uncertain significance for Ataxia - intellectual disability - oculomotor apraxia - cerebellar cysts syndrome. Last evaluated: 2019-08-23. Review status: criteria provided, single submitter. Criteria: ACMG Guidelines, 2015. Collection method: clinical testing. Allele origin: unknown. Affected: yes.
Comment: This variant was determined to be of uncertain significance according to ACMG Guidelines, 2015 [PMID:25741868].

Breakthrough Genomics
Classification: Uncertain significance. Review status: criteria provided, single submitter. Criteria: ACMG Guidelines, 2015. Collection method: not provided. Allele origin: germline. Inheritance: Autosomal recessive inheritance. Affected: yes.

NM_005559.4(LAMA1):c.4555G>C (p.Gly1519Arg)

Gene: LAMA1 (laminin subunit alpha 1; minus strand). Cytogenetic location: 18p11.31.
Variant type: single nucleotide variant.
Coding change: c.4555G>C on transcript NM_005559.4 (MANE Select); coding-DNA position 4555, G replaced by C.
Protein change: p.Gly1519Arg; replaces glycine 1519 with arginine.
Molecular consequence: missense variant.
Genome position (GRCh38, 1-based): chr18:6,999,553, C>G on the plus strand (G>C on the coding strand, the complement: LAMA1 is on the minus strand). VCF-style: chr18-6999553-C-G. GRCh37 (hg19) VCF-style: chr18-6999552-C-G.
Other names: short protein forms G1519R.
Identifiers: ClinVar variation 1030933 (VCV001030933.3), dbSNP rs747710308, ClinGen allele CA8881882.